The following is an entry in ClinVar:

ClinVar aggregate classification (germline): Benign/Likely benign. Review status: criteria provided, multiple submitters, no conflicts (2 of 4 stars). 8 submissions from 8 submitters: Benign (1); Likely benign (7). Last evaluated 2025-11-22.

Conditions:
Familial adenomatous polyposis 1 (FAP1). Also called: FAMILIAL ADENOMATOUS POLYPOSIS 1, ATTENUATED; POLYPOSIS, ADENOMATOUS INTESTINAL. Identifiers: MedGen C2713442, MONDO:0021056, OMIM 175100. Disease mechanism: loss of function.
Classic or attenuated familial adenomatous polyposis. Identifiers: MedGen CN372698, MONDO:0021057.
Hereditary cancer-predisposing syndrome. Also called: Hereditary neoplastic syndrome; Tumor predisposition; Neoplastic Syndromes, Hereditary; Hereditary Cancer Syndrome. Identifiers: Orphanet 140162, MedGen C0027672, MeSH D009386, MONDO:0015356.

Allele frequency attached by ClinVar (database versions not stated): gnomAD exomes below 0.00001; gnomAD 0.00001; TOPMed 0.00001.
gnomAD v4.1: 3 of 1,614,036 alleles (0.00019%); highest among the groups gnomAD compares: Non-Finnish European, 0.00017%; no homozygotes.

Submissions (8):

Labcorp Genetics (formerly Invitae), Labcorp
Classification: Likely benign for Familial adenomatous polyposis 1. Last evaluated: 2025-11-22. Review status: criteria provided, single submitter. Criteria: Invitae Variant Classification Sherloc (09022015). Collection method: clinical testing. Allele origin: germline.

CeGaT Center for Human Genetics Tuebingen
Classification: Likely benign. Last evaluated: 2025-08-01. Review status: criteria provided, single submitter. Criteria: CeGaT Center For Human Genetics Tuebingen Variant Classification Criteria Version 2. Collection method: clinical testing. Allele origin: germline. Affected: yes. Observed: 1 variant allele.
Comment: APC: BP4, BP7

Myriad Genetics, Inc.
Classification: Benign for Familial adenomatous polyposis 1. Last evaluated: 2024-03-25. Review status: criteria provided, single submitter. Criteria: Myriad Autosomal Dominant, Autosomal Recessive and X-Linked Classification Criteria (2023). Collection method: clinical testing. Allele origin: unknown.
Comment: This variant is considered benign. This variant is a silent/synonymous amino acid change and it is not expected to impact splicing.

All of Us Research Program, National Institutes of Health
Classification: Likely benign for Classic or attenuated familial adenomatous polyposis. Last evaluated: 2023-12-01. Review status: criteria provided, single submitter. Criteria: ACMG Guidelines, 2015. Collection method: clinical testing. Allele origin: germline. Inheritance: Autosomal dominant inheritance. Observed: 1 variant allele, 1 heterozygote.
Comment: This study involves interpretation of variants in research participants for the purpose of population health screening. Participant phenotype was not available at the time of variant classification. Additional details can be found in publication PMID: 35346344, PMCID: PMC8962531

Women's Health and Genetics/Laboratory Corporation of America, LabCorp
Classification: Likely benign. Last evaluated: 2020-01-31. Review status: criteria provided, single submitter. Criteria: LabCorp Variant Classification Summary - May 2015. Collection method: clinical testing. Allele origin: germline.

Color Diagnostics, LLC DBA Color Health
Classification: Likely benign for Hereditary cancer-predisposing syndrome. Last evaluated: 2018-01-07. Review status: criteria provided, single submitter. Criteria: ACMG Guidelines, 2015. Collection method: clinical testing. Allele origin: germline.

GeneDx
Classification: Likely benign. Last evaluated: 2017-10-24. Review status: criteria provided, single submitter. Criteria: GeneDx Variant Classification (06012015). Collection method: clinical testing. Allele origin: germline. Affected: yes.
Comment: This variant is considered likely benign or benign based on one or more of the following criteria: it is a conservative change, it occurs at a poorly conserved position in the protein, it is predicted to be benign by multiple in silico algorithms, and/or has population frequency not consistent with disease.

Ambry Genetics
Classification: Likely benign for Hereditary cancer-predisposing syndrome. Last evaluated: 2015-07-23. Review status: criteria provided, single submitter. Criteria: Ambry Variant Classification Scheme 2023. Collection method: clinical testing. Allele origin: germline.

NM_000038.6(APC):c.4119T>A (p.Pro1373=)

Gene: APC (APC regulator of Wnt signaling pathway; plus strand). Cytogenetic location: 5q22.2.
Variant type: single nucleotide variant.
Coding change: c.4119T>A on transcript NM_000038.6 (MANE Select); coding-DNA position 4119, T replaced by A.
Protein change: p.Pro1373=; no amino-acid change (proline 1373 retained).
Molecular consequence: synonymous variant.
Genome position (GRCh38, 1-based): chr5:112,839,713, T>A. VCF-style: chr5-112839713-T-A. GRCh37 (hg19) VCF-style: chr5-112175410-T-A.
Other names: c.4119T>A, p.Pro1373= (NM_001127510.3, NM_001354895.2); c.4065T>A, p.Pro1355= (NM_001127511.3); c.4173T>A, p.Pro1391= (NM_001354896.2); c.4149T>A, p.Pro1383= (NM_001354897.2); c.4044T>A, p.Pro1348= (NM_001354898.2); c.4035T>A, p.Pro1345= (NM_001354899.2); c.3996T>A, p.Pro1332= (NM_001354900.2); c.3942T>A, p.Pro1314= (NM_001354901.2); and 5 more.
Identifiers: ClinVar variation 469952 (VCV000469952.29), dbSNP rs1248565162, ClinGen allele CA445964130.
Genomic context (GRCh38, chr5:112,839,713, plus strand): 5'-ATTTTCTTCAGGAGCGAAATCTCCCTCCAAAAGTGGTGCTCAGACACCCAAAAGTCCACC[T>A]GAACACTATGTTCAGGAGACCCCACTCATGTTTAGCAGATGTACTTCTGTCAGTTCACTT-3'
Protein context (NP_000029.2, residues 1363-1383): KSGAQTPKSP[Pro1373=]EHYVQETPLM